The following is an entry in ClinVar:

ClinVar aggregate classification (germline): Uncertain significance (1 of 4 stars; one submission).

Conditions:
Long QT syndrome (LQTS). Identifiers: MedGen C0023976, MeSH D008133, MONDO:0002442. Disease mechanism: loss of function. Inheritance: Various modes of inheritance.

Submission:

Labcorp Genetics (formerly Invitae), Labcorp
Classification: Uncertain significance for Long QT syndrome. Last evaluated: 2025-08-17. Review status: criteria provided, single submitter. Criteria: Invitae Variant Classification Sherloc (09022015). Collection method: clinical testing. Allele origin: germline.
Comment: This sequence change replaces isoleucine, which is neutral and non-polar, with threonine, which is neutral and polar, at codon 138 of the KCNQ1 protein (p.Ile138Thr). This variant is not present in population databases (gnomAD no frequency). This variant has not been reported in the literature in individuals affected with KCNQ1-related conditions. Invitae Evidence Modeling of protein sequence and biophysical properties (such as structural, functional, and spatial information, amino acid conservation, physicochemical variation, residue mobility, and thermodynamic stability) has been performed for this missense variant. However, the output from this modeling did not meet the statistical confidence thresholds required to predict the impact of this variant on KCNQ1 protein function. In summary, the available evidence is currently insufficient to determine the role of this variant in disease. Therefore, it has been classified as a Variant of Uncertain Significance.

NM_000218.3(KCNQ1):c.413T>C (p.Ile138Thr)

Gene: KCNQ1 (potassium voltage-gated channel subfamily Q member 1; plus strand). Cytogenetic location: 11p15.5.
Variant type: single nucleotide variant.
Coding change: c.413T>C on transcript NM_000218.3 (MANE Select); coding-DNA position 413, T replaced by C.
Protein change: p.Ile138Thr; replaces isoleucine 138 with threonine.
Molecular consequence: missense variant.
Genome position (GRCh38, 1-based): chr11:2,527,954, T>C. VCF-style: chr11-2527954-T-C. GRCh37 (hg19) VCF-style: chr11-2549184-T-C.
Other names: c.413T>C, p.Ile138Thr (NM_001406836.1, NM_001406838.1); c.143T>C, p.Ile48Thr (NM_001406837.1); c.32T>C, p.Ile11Thr (NM_181798.2); short protein forms I138T, I48T, I11T.
Identifiers: ClinVar variation 4751475 (VCV004751475.1).